The following is an entry in ClinVar:

ClinVar aggregate classification (germline): Likely benign (1 of 4 stars; one submission).

gnomAD v4.1: 1 of 1,477,666 alleles (0.000068%); highest among the groups gnomAD compares: Non-Finnish European, 0.000094%; no homozygotes.

Submission:

Mayo Clinic Laboratories, Mayo Clinic
Classification: Likely benign. Last evaluated: 2025-08-18. Review status: criteria provided, single submitter. Criteria: ACMG Guidelines, 2015. Collection method: clinical testing. Allele origin: germline. Observed: 1 variant allele.
Comment: BP4, BP7

NM_032581.4(HYCC1):c.334-5T>C

Gene: HYCC1 (hyccin PI4KA lipid kinase complex subunit 1; minus strand). Cytogenetic location: 7p15.3.
Variant type: single nucleotide variant.
Coding change: c.334-5T>C on transcript NM_032581.4 (MANE Select); 5 bases into the intron before coding-DNA position 334, T replaced by C.
Molecular consequence: intron variant.
Genome position (GRCh38, 1-based): chr7:22,977,426, A>G on the plus strand (T>C on the coding strand, the complement: HYCC1 is on the minus strand). VCF-style: chr7-22977426-A-G. GRCh37 (hg19) VCF-style: chr7-23017045-A-G.
Other names: p.?; c.334-5T>C (NM_001363467.2, NM_001363466.2).
Identifiers: ClinVar variation 4683256 (VCV004683256.1).